The following is an entry in ClinVar:

ClinVar aggregate classification (germline): Uncertain significance (1 of 4 stars; one submission).

Conditions:
Cardiovascular phenotype. Identifiers: MedGen CN230736.

Allele frequency attached by ClinVar (database versions not stated): gnomAD exomes below 0.00001.
gnomAD v4.1: 1 of 1,608,374 alleles (0.000062%); highest among the groups gnomAD compares: East Asian, 0.0022%; no homozygotes.

Submission:

Ambry Genetics
Classification: Uncertain significance for Cardiovascular phenotype. Last evaluated: 2022-01-27. Review status: criteria provided, single submitter. Criteria: Ambry Variant Classification Scheme 2023. Collection method: clinical testing. Allele origin: germline.
Comment: The p.Q302R variant (also known as c.905A>G), located in coding exon 7 of the AKAP9 gene, results from an A to G substitution at nucleotide position 905. The glutamine at codon 302 is replaced by arginine, an amino acid with highly similar properties. This amino acid position is well conserved in available vertebrate species. In addition, this alteration is predicted to be tolerated by in silico analysis. The evidence for this gene-disease relationship is limited; therefore, the clinical significance of this alteration is unclear.

NM_005751.5(AKAP9):c.905A>G (p.Gln302Arg)

Gene: AKAP9 (A-kinase anchoring protein 9; plus strand). Cytogenetic location: 7q21.2.
Variant type: single nucleotide variant.
Coding change: c.905A>G on transcript NM_005751.5 (MANE Select); coding-DNA position 905, A replaced by G.
Protein change: p.Gln302Arg; replaces glutamine 302 with arginine.
Molecular consequence: missense variant.
Genome position (GRCh38, 1-based): chr7:91,995,775, A>G. VCF-style: chr7-91995775-A-G. GRCh37 (hg19) VCF-style: chr7-91625089-A-G.
Other names: c.905A>G, p.Gln302Arg (NM_147185.3); short protein forms Q302R.
Identifiers: ClinVar variation 1765615 (VCV001765615.2), dbSNP rs1264961491, ClinGen allele CA368120502.